The following is an entry in ClinVar:

ClinVar aggregate classification (germline): Uncertain significance. Review status: criteria provided, multiple submitters, no conflicts (2 of 4 stars). 3 submissions from 3 submitters: Uncertain significance (3). Last evaluated 2025-11-13.

Conditions:
Inborn genetic diseases. Identifiers: MedGen C0950123, MeSH D030342.
Aortic valve disease 2 (AOVD2). Identifiers: MedGen C3542024, MONDO:0013902, OMIM 614823.

Allele frequency attached by ClinVar (database versions not stated): gnomAD 0.00004; TOPMed 0.00005.
gnomAD v4.1: 106 of 1,490,932 alleles (0.0071%); highest among the groups gnomAD compares: Non-Finnish European, 0.0081%; no homozygotes.

Submissions (3):

Labcorp Genetics (formerly Invitae), Labcorp
Classification: Uncertain significance for Aortic valve disease 2. Last evaluated: 2025-11-13. Review status: criteria provided, single submitter. Criteria: Invitae Variant Classification Sherloc (09022015). Collection method: clinical testing. Allele origin: germline.
Comment: This sequence change replaces arginine, which is basic and polar, with glutamine, which is neutral and polar, at codon 12 of the SMAD6 protein (p.Arg12Gln). This variant is not present in population databases (gnomAD no frequency). This variant has not been reported in the literature in individuals affected with SMAD6-related conditions. ClinVar contains an entry for this variant (Variation ID: 405515). An algorithm developed to predict the effect of missense changes on protein structure and function (PolyPhen-2) suggests that this variant is likely to be disruptive. In summary, the available evidence is currently insufficient to determine the role of this variant in disease. Therefore, it has been classified as a Variant of Uncertain Significance.

Mayo Clinic Laboratories, Mayo Clinic
Classification: Uncertain significance. Last evaluated: 2025-10-31. Review status: criteria provided, single submitter. Criteria: ACMG Guidelines, 2015. Collection method: clinical testing. Allele origin: germline. Observed: 1 variant allele.

Ambry Genetics
Classification: Uncertain significance for Inborn genetic diseases. Last evaluated: 2025-04-14. Review status: criteria provided, single submitter. Criteria: Ambry Variant Classification Scheme 2023. Collection method: clinical testing. Allele origin: germline.

NM_005585.5(SMAD6):c.35G>A (p.Arg12Gln)

Gene: SMAD6 (SMAD family member 6; plus strand). Cytogenetic location: 15q22.31.
Variant type: single nucleotide variant.
Coding change: c.35G>A on transcript NM_005585.5 (MANE Select); coding-DNA position 35, G replaced by A.
Protein change: p.Arg12Gln; replaces arginine 12 with glutamine.
Molecular consequence: missense variant. On other transcripts: non-coding transcript variant (1).
Genome position (GRCh38, 1-based): chr15:66,703,293, G>A. VCF-style: chr15-66703293-G-A. GRCh37 (hg19) VCF-style: chr15-66995631-G-A.
Other names: p.Arg12Gln; short protein forms R12Q.
Identifiers: ClinVar variation 405515 (VCV000405515.7), dbSNP rs946785791, ClinGen allele CA16614466.